The following is an entry in ClinVar:

NM_021076.4(NEFH):c.2197C>T (p.Pro733Ser)

Gene: NEFH (neurofilament heavy chain; plus strand). Cytogenetic location: 22q12.2.
Variant type: single nucleotide variant.
Coding change: c.2197C>T on transcript NM_021076.4 (MANE Select); coding-DNA position 2197, C replaced by T.
Protein change: p.Pro733Ser; replaces proline 733 with serine.
Molecular consequence: missense variant.
Genome position (GRCh38, 1-based): chr22:29,489,837, C>T. VCF-style: chr22-29489837-C-T. GRCh37 (hg19) VCF-style: chr22-29885826-C-T.
Other names: short protein forms P733S.
Identifiers: ClinVar variation 1787501 (VCV001787501.2), dbSNP rs2517978554, ClinGen allele CA411136410.
Genomic context (GRCh38, chr22:29,489,837, plus strand): 5'-AAGGAAGAAGCAAAGTCCCCTGAGAAGGCCAAGTCCCCAGTGAAGGAAGAAGCAAAGACC[C>T]CCGAGAAGGCCAAGTCCCCAGTGAAGGAAGAAGCTAAGTCCCCAGAGAAGGCCAAGTCCC-3'
Protein context (NP_066554.2, residues 723-743): KSPVKEEAKT[Pro733Ser]EKAKSPVKEE

ClinVar aggregate classification (germline): Uncertain significance (1 of 4 stars; one submission).

Conditions:
Inborn genetic diseases. Identifiers: MedGen C0950123, MeSH D030342.

Submission:

Ambry Genetics
Classification: Uncertain significance for Inborn genetic diseases. Last evaluated: 2022-09-12. Review status: criteria provided, single submitter. Criteria: Ambry Variant Classification Scheme 2023. Collection method: clinical testing. Allele origin: germline.
Comment: The p.P733S variant (also known as c.2197C>T), located in coding exon 4 of the NEFH gene, results from a C to T substitution at nucleotide position 2197. The proline at codon 733 is replaced by serine, an amino acid with similar properties. This amino acid position is conserved. In addition, the in silico prediction for this alteration is inconclusive. Since supporting evidence is limited at this time, the clinical significance of this alteration remains unclear.